The following is an entry in ClinVar:

NM_002340.6(LSS):c.1810C>T (p.Arg604Ter)

Gene: LSS (lanosterol synthase; minus strand). Cytogenetic location: 21q22.3.
Variant type: single nucleotide variant.
Coding change: c.1810C>T on transcript NM_002340.6 (MANE Select); coding-DNA position 1810, C replaced by T.
Protein change: p.Arg604Ter; replaces arginine 604 with a stop codon.
Molecular consequence: nonsense.
Genome position (GRCh38, 1-based): chr21:46,195,683, G>A on the plus strand (C>T on the coding strand, the complement: LSS is on the minus strand). VCF-style: chr21-46195683-G-A. GRCh37 (hg19) VCF-style: chr21-47615597-G-A.
Other names: c.1810C>T, p.Arg604Ter (NM_001001438.3); c.1777C>T, p.Arg593Ter (NM_001145436.2); c.1570C>T, p.Arg524Ter (NM_001145437.2); short protein forms R524*, R593*, R604*.
Identifiers: ClinVar variation 2972956 (VCV002972956.3), dbSNP rs369619415, ClinGen allele CA10074855.

ClinVar aggregate classification (germline): Pathogenic (1 of 4 stars; one submission).

Allele frequency attached by ClinVar (database versions not stated): ExAC 0.00002; gnomAD 0.00003; ESP Exome Variant Server 0.00008.
gnomAD v4.1: 13 of 1,613,688 alleles (0.00081%); highest among the groups gnomAD compares: African/African-American, 0.0027%; no homozygotes.

Submission:

Labcorp Genetics (formerly Invitae), Labcorp
Classification: Pathogenic. Last evaluated: 2023-11-15. Review status: criteria provided, single submitter. Criteria: Invitae Variant Classification Sherloc (09022015). Collection method: clinical testing. Allele origin: germline.
Comment: This sequence change creates a premature translational stop signal (p.Arg604*) in the LSS gene. It is expected to result in an absent or disrupted protein product. Loss-of-function variants in LSS are known to be pathogenic (PMID: 30723320). This variant is present in population databases (rs369619415, gnomAD 0.008%). This premature translational stop signal has been observed in individual(s) with LSS-related conditions (PMID: 30723320). For these reasons, this variant has been classified as Pathogenic.

Literature cited by the submitters: PubMed 30723320.